The following is an entry in ClinVar:

NM_001375905.1(SGMS2):c.772C>G (p.Leu258Val)

Genes: SGMS2 (sphingomyelin synthase 2; plus strand), CYP2U1-AS1 (CYP2U1 and SGMS2 antisense RNA 1; minus strand). Cytogenetic location: 4q25.
Variant type: single nucleotide variant.
Coding change: c.772C>G on transcript NM_001375905.1 (MANE Select); coding-DNA position 772, C replaced by G.
Protein change: p.Leu258Val; replaces leucine 258 with valine.
Molecular consequence: missense variant. On other transcripts: intron variant (1).
Genome position (GRCh38, 1-based): chr4:107,908,609, C>G. VCF-style: chr4-107908609-C-G. GRCh37 (hg19) VCF-style: chr4-108829765-C-G.
Other names: c.772C>G, p.Leu258Val (NM_001136257.2, NM_001136258.2, NM_001375906.1 and 3 more transcripts); c.253C>G, p.Leu85Val (NM_001375911.1); c.728-1741C>G (NM_001375910.1); short protein forms L258V, L85V.
Identifiers: ClinVar variation 3719749 (VCV003719749.2).

ClinVar aggregate classification (germline): Uncertain significance (1 of 4 stars; one submission).

gnomAD v4.1: 16 of 1,614,082 alleles (0.00099%); highest among the groups gnomAD compares: Non-Finnish European, 0.0014%; no homozygotes.

Submission:

Labcorp Genetics (formerly Invitae), Labcorp
Classification: Uncertain significance. Last evaluated: 2024-10-22. Review status: criteria provided, single submitter. Criteria: Invitae Variant Classification Sherloc (09022015). Collection method: clinical testing. Allele origin: germline.
Comment: This sequence change replaces leucine, which is neutral and non-polar, with valine, which is neutral and non-polar, at codon 258 of the SGMS2 protein (p.Leu258Val). This variant is not present in population databases (gnomAD no frequency). This variant has not been reported in the literature in individuals affected with SGMS2-related conditions. Invitae Evidence Modeling of protein sequence and biophysical properties (such as structural, functional, and spatial information, amino acid conservation, physicochemical variation, residue mobility, and thermodynamic stability) indicates that this missense variant is not expected to disrupt SGMS2 protein function with a negative predictive value of 80%. In summary, the available evidence is currently insufficient to determine the role of this variant in disease. Therefore, it has been classified as a Variant of Uncertain Significance.